The following is an entry in ClinVar:

ClinVar aggregate classification (germline): Uncertain significance. Review status: criteria provided, multiple submitters, no conflicts (2 of 4 stars). 2 submissions from 2 submitters: Uncertain significance (2). Last evaluated 2026-01-08.

Conditions:
Dystonic disorder. Also called: Dystonia. Identifiers: MedGen C0013421, MONDO:0003441, HP:0001332.

Allele frequency attached by ClinVar (database versions not stated): gnomAD 0.00005; ExAC 0.00006; TOPMed 0.00008; gnomAD exomes 0.00012; ESP Exome Variant Server 0.00015.
gnomAD v4.1: 183 of 1,577,298 alleles (0.012%); highest among the groups gnomAD compares: Non-Finnish European, 0.015%; no homozygotes.

Submissions (2):

Labcorp Genetics (formerly Invitae), Labcorp
Classification: Uncertain significance for Dystonic disorder. Last evaluated: 2026-01-08. Review status: criteria provided, single submitter. Criteria: Invitae Variant Classification Sherloc (09022015). Collection method: clinical testing. Allele origin: germline.
Comment: This sequence change replaces threonine, which is neutral and polar, with alanine, which is neutral and non-polar, at codon 579 of the CIZ1 protein (p.Thr579Ala). This variant is present in population databases (rs377157587, gnomAD 0.004%). This variant has not been reported in the literature in individuals affected with CIZ1-related conditions. ClinVar contains an entry for this variant (Variation ID: 2817142). An algorithm developed to predict the effect of missense changes on protein structure and function outputs the following: PolyPhen-2: "Benign". The alanine amino acid residue is found in multiple mammalian species, which suggests that this missense change does not adversely affect protein function. In summary, the available evidence is currently insufficient to determine the role of this variant in disease. Therefore, it has been classified as a Variant of Uncertain Significance.

Ambry Genetics
Classification: Uncertain significance. Last evaluated: 2024-04-22. Review status: criteria provided, single submitter. Criteria: Ambry Variant Classification Scheme 2023. Collection method: clinical testing. Allele origin: germline.

NM_001131016.2(CIZ1):c.1735A>G (p.Thr579Ala)

Gene: CIZ1 (CDKN1A interacting zinc finger protein 1; minus strand). Cytogenetic location: 9q34.11.
Variant type: single nucleotide variant.
Coding change: c.1735A>G on transcript NM_001131016.2 (MANE Select); coding-DNA position 1735, A replaced by G.
Protein change: p.Thr579Ala; replaces threonine 579 with alanine.
Molecular consequence: missense variant.
Genome position (GRCh38, 1-based): chr9:128,177,649, T>C on the plus strand (A>G on the coding strand, the complement: CIZ1 is on the minus strand). VCF-style: chr9-128177649-T-C. GRCh37 (hg19) VCF-style: chr9-130939928-T-C.
Other names: c.1735A>G (NM_012127.2); c.1567A>G, p.Thr523Ala (NM_001131015.2); c.1552A>G, p.Thr518Ala (NM_001131017.2); c.1495A>G, p.Thr499Ala (NM_001131018.2); c.1825A>G, p.Thr609Ala (NM_001257975.2); c.1432A>G, p.Thr478Ala (NM_001257976.2); c.1735A>G, p.Thr579Ala (NM_012127.3); short protein forms T478A, T518A, T609A, T499A, T523A, T579A.
Identifiers: ClinVar variation 2817142 (VCV002817142.4), dbSNP rs377157587, ClinGen allele CA5257241.